The following is an entry in ClinVar:

ClinVar aggregate classification (germline): Likely benign (0 of 4 stars; one submission).

Conditions:
PLXNA1-related disorder. Also called: PLXNA1-related condition.

Allele frequency attached by ClinVar (database versions not stated): ExAC 0.00001; gnomAD exomes 0.00002; gnomAD 0.00003; TOPMed 0.00005.
gnomAD v4.1: 31 of 1,612,616 alleles (0.0019%); highest among the groups gnomAD compares: African/African-American, 0.0093%; no homozygotes.

Submission:

PreventionGenetics, part of Exact Sciences
Classification: Likely benign for PLXNA1-related condition. Last evaluated: 2021-12-09. Review status: no assertion criteria provided. Collection method: clinical testing. Allele origin: germline.
Comment: This variant is classified as likely benign based on ACMG/AMP sequence variant interpretation guidelines (Richards et al. 2015 PMID: 25741868, with internal and published modifications).

NM_032242.4(PLXNA1):c.1221C>T (p.Cys407=)

Gene: PLXNA1 (plexin A1; plus strand). Cytogenetic location: 3q21.3.
Variant type: single nucleotide variant.
Coding change: c.1221C>T on transcript NM_032242.4 (MANE Select); coding-DNA position 1221, C replaced by T.
Protein change: p.Cys407=; no amino-acid change (cysteine 407 retained).
Molecular consequence: synonymous variant.
Genome position (GRCh38, 1-based): chr3:126,991,410, C>T. VCF-style: chr3-126991410-C-T. GRCh37 (hg19) VCF-style: chr3-126710253-C-T.
Identifiers: ClinVar variation 3036650 (VCV003036650.2), dbSNP rs750480382, ClinGen allele CA2593161.
Genomic context (GRCh38, chr3:126,991,410, plus strand): 5'-CGGGGAGTGGCTCTCACCCTGCCCCTTCCCACAGCCCCTGCAGATCGATGACGACTTCTG[C>T]GGGCAGGACTTCAACCAGCCCCTGGGGGGCACAGTCACCATTGAGGGGACGCCCCTGTTC-3'
Protein context (NP_115618.3, residues 397-417): NSPLQIDDDF[Cys407=]GQDFNQPLGG